The following is an entry in ClinVar:

NM_001113378.2(FANCI):c.865C>T (p.Leu289Phe)

Gene: FANCI (FA complementation group I; plus strand). Cytogenetic location: 15q26.1.
Variant type: single nucleotide variant.
Coding change: c.865C>T on transcript NM_001113378.2 (MANE Select); coding-DNA position 865, C replaced by T.
Protein change: p.Leu289Phe; replaces leucine 289 with phenylalanine.
Molecular consequence: missense variant.
Genome position (GRCh38, 1-based): chr15:89,268,508, C>T. VCF-style: chr15-89268508-C-T. GRCh37 (hg19) VCF-style: chr15-89811739-C-T.
Other names: c.586C>T, p.Leu196Phe (NM_001376910.1); c.865C>T, p.Leu289Phe (NM_001376911.1, NM_018193.3); short protein forms L196F, L289F.
Identifiers: ClinVar variation 2703747 (VCV002703747.3), dbSNP rs2053065579, ClinGen allele CA393740286.

ClinVar aggregate classification (germline): Uncertain significance (1 of 4 stars; one submission).

Conditions:
Fanconi anemia (FA). Also called: Fanconi's anemia. Identifiers: Orphanet 84, MedGen C0015625, MeSH D005199, MONDO:0019391.

Allele frequency attached by ClinVar (database versions not stated): gnomAD 0.00001.
gnomAD v4.1: 1 of 1,614,058 alleles (0.000062%); highest among the groups gnomAD compares: Non-Finnish European, 0.000085%; no homozygotes.

Submission:

Labcorp Genetics (formerly Invitae), Labcorp
Classification: Uncertain significance for Fanconi anemia. Last evaluated: 2023-03-04. Review status: criteria provided, single submitter. Criteria: Invitae Variant Classification Sherloc (09022015). Collection method: clinical testing. Allele origin: germline.
Comment: In summary, the available evidence is currently insufficient to determine the role of this variant in disease. Therefore, it has been classified as a Variant of Uncertain Significance. Advanced modeling of protein sequence and biophysical properties (such as structural, functional, and spatial information, amino acid conservation, physicochemical variation, residue mobility, and thermodynamic stability) performed at Invitae indicates that this missense variant is not expected to disrupt FANCI protein function. This variant has not been reported in the literature in individuals affected with FANCI-related conditions. This variant is not present in population databases (gnomAD no frequency). This sequence change replaces leucine, which is neutral and non-polar, with phenylalanine, which is neutral and non-polar, at codon 289 of the FANCI protein (p.Leu289Phe).